The following is an entry in ClinVar:

ClinVar aggregate classification (germline): Uncertain significance (1 of 4 stars; one submission).

Conditions:
Leigh syndrome (NULS). Also called: Leigh's necrotizing encephalopathy; Leigh's disease; Leigh's syndrome; LEIGH SYNDROME, NUCLEAR; Leigh Syndrome (mtDNA deletion); Leigh Disease. Identifiers: Orphanet 506, MedGen C2931891, MONDO:0009723, OMIM 256000.

Submission:

Wong Mito Lab, Molecular and Human Genetics, Baylor College of Medicine
Classification: Uncertain significance for Leigh syndrome. Last evaluated: 2019-10-17. Review status: criteria provided, single submitter. Criteria: Modified ACMG Guidelines (Unpublished). Collection method: clinical testing. Allele origin: germline.
Comment: The NC_012920.1:m.14301T>C (YP_003024037.1:p.Met125Val) variant in MTND6 gene is interpretated to be a Uncertain Significance variant based on the modified ACMG guidelines (unpublished). This variant meets the following evidence codes: PP7, BP4

NC_012920.1(MT-ND6):m.14301T>C

Gene: MT-ND6 (mitochondrially encoded NADH dehydrogenase 6; minus strand).
Variant type: single nucleotide variant.
Genome position: chrM-14301-T-C.
Identifiers: ClinVar variation 693705 (VCV000693705.1), dbSNP rs1603224659, ClinGen allele CA414821837.